The following is an entry in ClinVar:

NM_173354.5(SIK1):c.1495C>G (p.Pro499Ala)

Gene: SIK1 (salt inducible kinase 1; minus strand). Cytogenetic location: 21q22.3.
Variant type: single nucleotide variant.
Coding change: c.1495C>G on transcript NM_173354.5 (MANE Select); coding-DNA position 1495, C replaced by G.
Protein change: p.Pro499Ala; replaces proline 499 with alanine.
Molecular consequence: missense variant.
Genome position (GRCh38, 1-based): chr21:43,418,509, G>C on the plus strand (C>G on the coding strand, the complement: SIK1 is on the minus strand). VCF-style: chr21-43418509-G-C. GRCh37 (hg19) VCF-style: chr21-44838389-G-C.
Other names: short protein forms P499A.
Identifiers: ClinVar variation 1908087 (VCV001908087.5), dbSNP rs373399488, ClinGen allele CA321325505.
Genomic context (GRCh38, chr21:43,418,509, plus strand): 5'-CCGCGGGGCTTTTGCTCGCAGAGAAGGTCAGACAACTGTCAGAGCTGGTTCCCTCTGCAG[G>C]ACTTGCCGTGGTGGAGGGGGAGACGACTATACCTGTGGGGGGAGGACAGCGCTTTTGATG-3'
Protein context (NP_775490.2, residues 489-509): IVVSPSTTAS[Pro499Ala]AEGTSSDSCL

ClinVar aggregate classification (germline): Uncertain significance (1 of 4 stars; one submission).

Conditions:
Developmental and epileptic encephalopathy, 30 (DEE30). Also called: Epileptic encephalopathy, early infantile, 30. Identifiers: MedGen C4225360, MONDO:0014595, OMIM 616341.

Allele frequency attached by ClinVar (database versions not stated): ESP Exome Variant Server 0.00008.

Submission:

Labcorp Genetics (formerly Invitae), Labcorp
Classification: Uncertain significance for Developmental and epileptic encephalopathy, 30. Last evaluated: 2024-02-26. Review status: criteria provided, single submitter. Criteria: Invitae Variant Classification Sherloc (09022015). Collection method: clinical testing. Allele origin: germline.
Comment: This sequence change replaces proline, which is neutral and non-polar, with alanine, which is neutral and non-polar, at codon 499 of the SIK1 protein (p.Pro499Ala). This variant is present in population databases (rs373399488, gnomAD 0.001%). This variant has not been reported in the literature in individuals affected with SIK1-related conditions. ClinVar contains an entry for this variant (Variation ID: 1908087). Advanced modeling of protein sequence and biophysical properties (such as structural, functional, and spatial information, amino acid conservation, physicochemical variation, residue mobility, and thermodynamic stability) performed at Invitae indicates that this missense variant is not expected to disrupt SIK1 protein function with a negative predictive value of 95%. In summary, the available evidence is currently insufficient to determine the role of this variant in disease. Therefore, it has been classified as a Variant of Uncertain Significance.